The following is an entry in ClinVar:

NM_033018.4(CDK16):c.12+1del

Gene: CDK16 (cyclin dependent kinase 16; plus strand). Cytogenetic location: Xp11.3.
Variant type: Deletion.
Coding change: c.12+1del on transcript NM_033018.4; the canonical splice donor site of the intron after coding-DNA position 12, one base deleted (G; older notation c.12+1delG).
Molecular consequence: splice donor variant.
Genome position (GRCh38, 1-based): chrX:47,218,665, G deleted; the last of 2 consecutive G bases (chrX:47,218,664-47,218,665); deleting either gives the same sequence. VCF-style (leftmost placement, unchanged base first): chrX-47218663-AG-A. GRCh37 (hg19) VCF-style: chrX-47078062-AG-A.
Other names: c.53+1del (NM_001440783.1, NM_001440784.1); c.12+1del (NM_001440785.1).
Identifiers: ClinVar variation 2633171 (VCV002633171.1), dbSNP rs1937178226, ClinGen allele CA641486901.

ClinVar aggregate classification (germline): Uncertain significance (1 of 4 stars; one submission).

Conditions:
CDK16-related disorder. Also called: CDK16-related condition.

Submission:

PreventionGenetics, part of Exact Sciences
Classification: Uncertain significance for CDK16-related condition. Last evaluated: 2023-04-21. Review status: criteria provided, single submitter. Criteria: ACMG Guidelines, 2015. Collection method: clinical testing. Allele origin: germline.
Comment: The CDK16 c.12+1delG variant is predicted to result in a frameshift and premature protein termination (p.Ile5Serfs*6). This variant occurs in a the precoding region of the primary transcript for this gene (NM_006201.4:c.-447delG). To our knowledge, this variant has not been reported in the literature or in a large population database, indicating this variant is rare. At this time, the clinical significance of this variant is uncertain due to the absence of conclusive functional and genetic evidence.